The following is an entry in ClinVar:

NM_201384.3(PLEC):c.10234G>A (p.Ala3412Thr)

Gene: PLEC (plectin; minus strand). Cytogenetic location: 8q24.3.
Variant type: single nucleotide variant.
Coding change: c.10234G>A on transcript NM_201384.3 (MANE Select); coding-DNA position 10234, G replaced by A.
Protein change: p.Ala3412Thr; replaces alanine 3412 with threonine.
Molecular consequence: missense variant.
Genome position (GRCh38, 1-based): chr8:143,919,587, C>T on the plus strand (G>A on the coding strand, the complement: PLEC is on the minus strand). VCF-style: chr8-143919587-C-T. GRCh37 (hg19) VCF-style: chr8-144993755-C-T.
Other names: c.10315G>A, p.Ala3439Thr (NM_000445.5); c.10192G>A, p.Ala3398Thr (NM_201378.4); c.10168G>A, p.Ala3390Thr (NM_201379.3); c.10645G>A, p.Ala3549Thr (NM_201380.4); c.10138G>A, p.Ala3380Thr (NM_201381.3); c.10234G>A, p.Ala3412Thr (NM_201382.4); c.10246G>A, p.Ala3416Thr (NM_201383.3); short protein forms A3390T, A3398T, A3439T, A3412T, A3380T, A3549T, A3416T.
Identifiers: ClinVar variation 648692 (VCV000648692.9), dbSNP rs1259520719, ClinGen allele CA372502637.
Genomic context (GRCh38, chr8:143,919,587, plus strand): 5'-CCTTCTCGGCAGACAGCAGCTGCTCGTGAAGCTCGGGGCCCACCACGCCCGCCTTCACGG[C>T]CTCGTGGACATACAGGCGCTGGTTCCGCACGGGGTCCACCAGGAAGCCAGTGGCCGCCTG-3'
Protein context (NP_958786.1, residues 3402-3422): VRNQRLYVHE[Ala3412Thr]VKAGVVGPEL

ClinVar aggregate classification (germline): Uncertain significance (1 of 4 stars; one submission).

Conditions:
Epidermolysis bullosa simplex, Ogna type (EBS5A). Also called: Pidermolysis bullosa simplex 5A, Ogna type; EPIDERMOLYSIS BULLOSA SIMPLEX 5A, OGNA TYPE. Identifiers: Orphanet 79401, MedGen C0432317, MONDO:0007555, OMIM 131950.
Epidermolysis bullosa simplex 5C, with pyloric atresia (EBS5C). Also called: Epidermolysis bullosa simplex with pyloric atresia; PLEC-Related Epidermolysis Bullosa with Pyloric Atresia; PLEC1-Related Epidermolysis Bullosa with Pyloric Atresia. Identifiers: Orphanet 158684, MedGen C2677349, MONDO:0012807, OMIM 612138.
Epidermolysis bullosa simplex with nail dystrophy (EBS5D). Identifiers: MedGen C4225309, MONDO:0014661, OMIM 616487.
Epidermolysis bullosa simplex 5B, with muscular dystrophy (EBS5B). Also called: EPIDERMOLYSIS BULLOSA SIMPLEX AND LIMB-GIRDLE MUSCULAR DYSTROPHY; Epidermolysis bullosa simplex with muscular dystrophy. Identifiers: Orphanet 257, MedGen C2931072, MONDO:0009181, OMIM 226670.
Autosomal recessive limb-girdle muscular dystrophy type 2Q (LGMDR17). Also called: MUSCULAR DYSTROPHY, LIMB-GIRDLE, AUTOSOMAL RECESSIVE 17. Identifiers: Orphanet 254361, MedGen C3150989, MONDO:0013390, OMIM 613723.

Allele frequency attached by ClinVar (database versions not stated): TOPMed below 0.00001; gnomAD 0.00001.

Submission:

Labcorp Genetics (formerly Invitae), Labcorp
Classification: Uncertain significance for Autosomal recessive limb-girdle muscular dystrophy type 2Q; Epidermolysis bullosa simplex, Ogna type; Epidermolysis bullosa simplex with nail dystrophy; Epidermolysis bullosa simplex 5C, with pyloric atresia; Epidermolysis bullosa simplex 5B, with muscular dystrophy. Last evaluated: 2022-08-16. Review status: criteria provided, single submitter. Criteria: Invitae Variant Classification Sherloc (09022015). Collection method: clinical testing. Allele origin: germline.
Comment: In summary, the available evidence is currently insufficient to determine the role of this variant in disease. Therefore, it has been classified as a Variant of Uncertain Significance. Algorithms developed to predict the effect of missense changes on protein structure and function (SIFT, PolyPhen-2, Align-GVGD) all suggest that this variant is likely to be disruptive. ClinVar contains an entry for this variant (Variation ID: 648692). This variant has not been reported in the literature in individuals affected with PLEC-related conditions. This variant is not present in population databases (gnomAD no frequency). This sequence change replaces alanine, which is neutral and non-polar, with threonine, which is neutral and polar, at codon 3439 of the PLEC protein (p.Ala3439Thr).